The following is an entry in ClinVar:

NM_000135.4(FANCA):c.4261-10TC[2]

Genes: FANCA (FA complementation group A; minus strand), ZNF276 (zinc finger protein 276; plus strand). Cytogenetic location: 16q24.3.
Variant type: Microsatellite.
Coding change: c.4261-10TC[2] on transcript NM_000135.4 (MANE Select); two copies in a row of the 2-base unit TC starting at c.4261-10; the reference has three copies in a row; one copy, 2 bases deleted.
Molecular consequence: intron variant. On other transcripts: 3 prime UTR variant (2), non-coding transcript variant (4).
Genome position (GRCh38, 1-based): chr16:89,738,713-89,738,714, GA deleted on the plus strand (TC on the coding strand, the reverse complement: FANCA is on the minus strand); deleting any 2 consecutive bases within chr16:89,738,713-89,738,719 gives the same sequence; the position shown is the placement nearest the transcript's 3' end. VCF-style (leftmost placement, unchanged base first): chr16-89738712-TGA-T. GRCh37 (hg19) VCF-style: chr16-89805120-TGA-T.
Other names: c.*468AG[2] (NM_001113525.2, NM_152287.4); c.4265-10TC[2] (NM_001286167.3); c.4261-6_4261-5del (NM_000135.3).
Identifiers: ClinVar variation 2194900 (VCV002194900.3), dbSNP rs746081933, ClinGen allele CA8250600.
Genomic context (GRCh38, chr16:89,738,712, plus strand): 5'-TCTGCTCTGGAGGGCGGCGCTCACCTCTGGGTCGCAGTCCCCACGATCAGCCAGCAGCTG[TGA>T]GAGAGGAGCAGGTCCTCAGCCCATGCCGCCCACTAGGCCTCAGACCACAGGGGAGGGGCT-3'

ClinVar aggregate classification (germline): Uncertain significance. Review status: criteria provided, multiple submitters, no conflicts (2 of 4 stars). 2 submissions from 2 submitters: Uncertain significance (2). Last evaluated 2025-12-21.

Conditions:
Fanconi anemia (FA). Also called: Fanconi's anemia. Identifiers: Orphanet 84, MedGen C0015625, MeSH D005199, MONDO:0019391.

Submissions (2):

Labcorp Genetics (formerly Invitae), Labcorp
Classification: Uncertain significance for Fanconi anemia. Last evaluated: 2025-12-21. Review status: criteria provided, single submitter. Criteria: Invitae Variant Classification Sherloc (09022015). Collection method: clinical testing. Allele origin: germline.
Comment: This sequence change falls in intron 42 of the FANCA gene. It does not directly change the encoded amino acid sequence of the FANCA protein. This variant is present in population databases (rs746081933, gnomAD 0.003%). This variant has not been reported in the literature in individuals affected with FANCA-related conditions. Algorithms developed to predict the effect of sequence changes on RNA splicing suggest that this variant may disrupt the consensus splice site. In summary, the available evidence is currently insufficient to determine the role of this variant in disease. Therefore, it has been classified as a Variant of Uncertain Significance.

Quest Diagnostics Nichols Institute San Juan Capistrano
Classification: Uncertain significance. Last evaluated: 2025-08-08. Review status: criteria provided, single submitter. Criteria: Quest Diagnostics criteria. Collection method: clinical testing. Allele origin: unknown.
Comment: The FANCA c.4261-6_4261-5del variant has not been reported in individuals with FANCA-related conditions in the published literature. The frequency of this variant in the general population (Genome Aggregation Database) is uninformative in the assessment of its pathogenicity. Analysis of this variant using software algorithms for the prediction of the effect of nucleotide changes on FANCA mRNA splicing yielded inconclusive findings. Based on the available information, we are unable to determine the clinical significance of this variant.